The following is an entry in ClinVar:

NM_058216.3(RAD51C):c.347C>T (p.Pro116Leu)

Gene: RAD51C (RAD51 paralog C; plus strand). Cytogenetic location: 17q22.
Variant type: single nucleotide variant.
Coding change: c.347C>T on transcript NM_058216.3 (MANE Select); coding-DNA position 347, C replaced by T.
Protein change: p.Pro116Leu; replaces proline 116 with leucine.
Molecular consequence: missense variant. On other transcripts: non-coding transcript variant (2).
Genome position (GRCh38, 1-based): chr17:58,695,132, C>T. VCF-style: chr17-58695132-C-T. GRCh37 (hg19) VCF-style: chr17-56772493-C-T.
Other names: c.347C>T, p.Pro116Leu (NM_002876.4, NM_058217.1); short protein forms P116L.
Identifiers: ClinVar variation 1731829 (VCV001731829.9), dbSNP rs2047955710, ClinGen allele CA400341498.
Genomic context (GRCh38, chr17:58,695,132, plus strand): 5'-CCCAGGGCTTCATAATCACCTTCTGTTCAGCACTAGATGATATTCTTGGGGGTGGAGTGC[C>T]CTTAATGAAAACAACAGAAATTTGTGGTGCACCAGGTGTTGGAAAAACACAATTATGGTA-3'
Protein context (NP_478123.1, residues 106-126): ALDDILGGGV[Pro116Leu]LMKTTEICGA

ClinVar aggregate classification (germline): Uncertain significance. Review status: criteria provided, multiple submitters, no conflicts (2 of 4 stars). 4 submissions from 4 submitters: Uncertain significance (4). Last evaluated 2025-09-22.

Conditions:
Fanconi anemia complementation group O. Also called: RAD51C-Related Fanconi Anemia. Identifiers: Orphanet 84, MedGen C3150653, MONDO:0013248, OMIM 613390.
Hereditary cancer-predisposing syndrome. Also called: Neoplastic Syndromes, Hereditary; Tumor predisposition; Hereditary Cancer Syndrome; Hereditary neoplastic syndrome. Identifiers: Orphanet 140162, MedGen C0027672, MeSH D009386, MONDO:0015356.

Submissions (4):

Women's Health and Genetics/Laboratory Corporation of America, LabCorp
Classification: Uncertain significance. Last evaluated: 2025-09-22. Review status: criteria provided, single submitter. Criteria: LabCorp Variant Classification Summary - May 2015. Collection method: clinical testing. Allele origin: germline.

Color Diagnostics, LLC DBA Color Health
Classification: Uncertain significance for Hereditary cancer-predisposing syndrome. Last evaluated: 2025-05-20. Review status: criteria provided, single submitter. Criteria: ACMG Guidelines, 2015. Collection method: clinical testing. Allele origin: germline.
Comment: This missense variant replaces proline with leucine at codon 116 of the RAD51C protein. Computational prediction suggests that this variant may not impact protein structure and function. To our knowledge, functional studies have not been reported for this variant. This variant has not been reported in individuals affected with RAD51C-related disorders in the literature. This variant has not been identified in the general population by the Genome Aggregation Database (gnomAD). The available evidence is insufficient to determine the role of this variant in disease conclusively. Therefore, this variant is classified as a Variant of Uncertain Significance.

Labcorp Genetics (formerly Invitae), Labcorp
Classification: Uncertain significance for Fanconi anemia complementation group O. Last evaluated: 2023-07-10. Review status: criteria provided, single submitter. Criteria: Invitae Variant Classification Sherloc (09022015). Collection method: clinical testing. Allele origin: germline.
Comment: This variant is not present in population databases (gnomAD no frequency). In summary, the available evidence is currently insufficient to determine the role of this variant in disease. Therefore, it has been classified as a Variant of Uncertain Significance. Advanced modeling of protein sequence and biophysical properties (such as structural, functional, and spatial information, amino acid conservation, physicochemical variation, residue mobility, and thermodynamic stability) has been performed at Invitae for this missense variant, however the output from this modeling did not meet the statistical confidence thresholds required to predict the impact of this variant on RAD51C protein function. ClinVar contains an entry for this variant (Variation ID: 1731829). This variant has not been reported in the literature in individuals affected with RAD51C-related conditions. This sequence change replaces proline, which is neutral and non-polar, with leucine, which is neutral and non-polar, at codon 116 of the RAD51C protein (p.Pro116Leu).

Ambry Genetics
Classification: Uncertain significance for Hereditary cancer-predisposing syndrome. Last evaluated: 2022-04-11. Review status: criteria provided, single submitter. Criteria: Ambry Variant Classification Scheme 2023. Collection method: clinical testing. Allele origin: germline.
Comment: The p.P116L variant (also known as c.347C>T), located in coding exon 2 of the RAD51C gene, results from a C to T substitution at nucleotide position 347. The proline at codon 116 is replaced by leucine, an amino acid with similar properties. This amino acid position is conserved. In addition, the in silico prediction for this alteration is inconclusive. Since supporting evidence is limited at this time, the clinical significance of this alteration remains unclear.